The following is an entry in ClinVar:

NM_003850.3(SUCLA2):c.236C>T (p.Ser79Leu)

Gene: SUCLA2 (succinate-CoA ligase ADP-forming subunit beta; minus strand). Cytogenetic location: 13q14.2.
Variant type: single nucleotide variant.
Coding change: c.236C>T on transcript NM_003850.3 (MANE Select); coding-DNA position 236, C replaced by T.
Protein change: p.Ser79Leu; replaces serine 79 with leucine.
Molecular consequence: missense variant.
Genome position (GRCh38, 1-based): chr13:47,996,878, G>A on the plus strand (C>T on the coding strand, the complement: SUCLA2 is on the minus strand). VCF-style: chr13-47996878-G-A. GRCh37 (hg19) VCF-style: chr13-48571013-G-A.
Other names: p.S79L:TCA>TTA; p.Ser79Leu; short protein forms S79L.
Identifiers: ClinVar variation 203960 (VCV000203960.33), dbSNP rs142289138, ClinGen allele CA313028.

ClinVar aggregate classification (germline): Conflicting classifications of pathogenicity. Review status: criteria provided, conflicting classifications (1 of 4 stars). 9 submissions from 9 submitters: Uncertain significance (5); Likely benign (3). 1 of the submissions does not count toward it. Last evaluated 2026-01-26.

Conditions:
SUCLA2-related disorder. Also called: SUCLA2-related condition.
Inborn genetic diseases. Identifiers: MedGen C0950123, MeSH D030342.
Mitochondrial DNA depletion syndrome, encephalomyopathic form with methylmalonic aciduria (MTDPS5). Also called: Mitochondrial encephalomyopathy aminoacidopathy; MITOCHONDRIAL DNA DEPLETION SYNDROME, ENCEPHALOMYOPATHIC FORM, WITH OR WITHOUT METHYLMALONIC ACIDURIA, AUTOSOMAL RECESSIVE, SUCLA2-RELATED; Mitochondrial DNA depletion syndrome 5 (encephalomyopathic with or without methylmalonic aciduria); SUCLA2-Related Mitochondrial DNA Depletion Syndrome, Encephalomyopathic Form with Methylmalonic Aciduria. Identifiers: Orphanet 1933, MedGen C5980207, MONDO:0012791, OMIM 612073.
Global developmental delay (DD). Also called: Cognitive delay. Identifiers: MedGen C0557874, HP:0001263. Disease mechanism: loss of function.

Allele frequency attached by ClinVar (database versions not stated): 1000 Genomes Project 30x 0.00016; 1000 Genomes Project 0.00020; ESP Exome Variant Server 0.00023; TOPMed 0.00040; gnomAD 0.00061 and 0.00062; ExAC 0.00062; gnomAD exomes 0.00075 and 0.00101.
gnomAD v4.1: 1,583 of 1,613,754 alleles (0.098%); highest among the groups gnomAD compares: Non-Finnish European, 0.11%; 3 homozygotes.

Submissions (9):

Labcorp Genetics (formerly Invitae), Labcorp
Classification: Likely benign for Mitochondrial DNA depletion syndrome, encephalomyopathic form with methylmalonic aciduria. Last evaluated: 2026-01-26. Review status: criteria provided, single submitter. Criteria: Invitae Variant Classification Sherloc (09022015). Collection method: clinical testing. Allele origin: germline.

GeneDx
Classification: Uncertain significance. Last evaluated: 2025-11-20. Review status: criteria provided, single submitter. Criteria: GeneDx Variant Classification Process June 2021. Collection method: clinical testing. Allele origin: germline. Affected: yes.
Comment: De novo variant in an individual with a developmental disorder; a second variant in SUCLA2 was not reported (PMID: 33057194); In silico analysis supports that this missense variant has a deleterious effect on protein structure/function; This variant is associated with the following publications: (PMID: 35982159, 33057194)

CeGaT Center for Human Genetics Tuebingen
Classification: Uncertain significance. Last evaluated: 2025-11-01. Review status: criteria provided, single submitter. Criteria: CeGaT Center For Human Genetics Tuebingen Variant Classification Criteria Version 2. Collection method: clinical testing. Allele origin: germline. Affected: yes. Observed: 1 variant allele.
Comment: SUCLA2: PM2:Supporting, PM3:Supporting, BP4

Mayo Clinic Laboratories, Mayo Clinic
Classification: Likely benign. Last evaluated: 2025-04-17. Review status: criteria provided, single submitter. Criteria: ACMG Guidelines, 2015. Collection method: clinical testing. Allele origin: germline. Observed: 1 variant allele.
Comment: BS1

Blueprint Genetics
Classification: Uncertain significance. Last evaluated: 2024-11-20. Review status: criteria provided, single submitter. Criteria: ACMG Guidelines, 2015. Collection method: clinical testing. Allele origin: germline.

Ambry Genetics
Classification: Likely benign for Inborn genetic diseases. Last evaluated: 2023-05-01. Review status: criteria provided, single submitter. Criteria: Ambry Variant Classification Scheme 2023. Collection method: clinical testing. Allele origin: germline.

Illumina Laboratory Services, Illumina
Classification: Uncertain significance for Mitochondrial DNA depletion syndrome, encephalomyopathic form with methylmalonic aciduria. Last evaluated: 2018-01-13. Review status: criteria provided, single submitter. Criteria: ICSL Variant Classification Criteria 13 December 2019. Collection method: clinical testing. Allele origin: germline.

Claritas Genomics
Classification: Uncertain significance. Last evaluated: 2017-02-21. Review status: criteria provided, single submitter. Criteria: ACMG Guidelines, 2015. Collection method: clinical testing. Allele origin: germline. Affected: yes.

PreventionGenetics, part of Exact Sciences
Classification: Likely benign for SUCLA2-related condition. Last evaluated: 2023-03-07. Review status: no assertion criteria provided. Collection method: clinical testing. Allele origin: germline. Not counted in ClinVar's aggregate classification.
Comment: This variant is classified as likely benign based on ACMG/AMP sequence variant interpretation guidelines (Richards et al. 2015 PMID: 25741868, with internal and published modifications).

Literature cited by the submitters: PubMed 33057194 (cited by Mayo Clinic Laboratories, Mayo Clinic); PubMed 35982159 (cited by Mayo Clinic Laboratories, Mayo Clinic).